The following is an entry in ClinVar:

ClinVar aggregate classification (germline): Uncertain significance (1 of 4 stars; one submission).

Conditions:
Dilated cardiomyopathy 1O (CMD1O). Also called: CARDIOMYOPATHY, DILATED, WITH VENTRICULAR TACHYCARDIA. Identifiers: Orphanet 154, MedGen C1837839, MONDO:0012062, OMIM 608569.

Submission:

Labcorp Genetics (formerly Invitae), Labcorp
Classification: Uncertain significance for Dilated cardiomyopathy 1O. Last evaluated: 2022-08-09. Review status: criteria provided, single submitter. Criteria: Invitae Variant Classification Sherloc (09022015). Collection method: clinical testing. Allele origin: germline.
Comment: In summary, the available evidence is currently insufficient to determine the role of this variant in disease. Therefore, it has been classified as a Variant of Uncertain Significance. Algorithms developed to predict the effect of missense changes on protein structure and function (SIFT, PolyPhen-2, Align-GVGD) all suggest that this variant is likely to be tolerated. This variant has not been reported in the literature in individuals affected with ABCC9-related conditions. This variant is not present in population databases (gnomAD no frequency). This sequence change replaces glutamine, which is neutral and polar, with proline, which is neutral and non-polar, at codon 329 of the ABCC9 protein (p.Gln329Pro).

NM_020297.4(ABCC9):c.986A>C (p.Gln329Pro)

Gene: ABCC9 (ATP binding cassette subfamily C member 9; minus strand). Cytogenetic location: 12p12.1.
Variant type: single nucleotide variant.
Coding change: c.986A>C on transcript NM_020297.4 (MANE Select); coding-DNA position 986, A replaced by C.
Protein change: p.Gln329Pro; replaces glutamine 329 with proline.
Molecular consequence: missense variant.
Genome position (GRCh38, 1-based): chr12:21,912,897, T>G on the plus strand (A>C on the coding strand, the complement: ABCC9 is on the minus strand). VCF-style: chr12-21912897-T-G. GRCh37 (hg19) VCF-style: chr12-22065831-T-G.
Other names: c.986A>C, p.Gln329Pro (NM_001377273.1, NM_005691.4); c.122A>C, p.Gln41Pro (NM_001377274.1); short protein forms Q329P, Q41P.
Identifiers: ClinVar variation 1721203 (VCV001721203.5), dbSNP rs2541699295, ClinGen allele CA384120872.